The following is an entry in ClinVar:

ClinVar aggregate classification (germline): Uncertain significance. Review status: criteria provided, multiple submitters, no conflicts (2 of 4 stars). 2 submissions from 2 submitters: Uncertain significance (2). Last evaluated 2025-07-30.

Conditions:
Emery-Dreifuss muscular dystrophy 5, autosomal dominant (EDMD5). Also called: EMERY-DREIFUSS MUSCULAR DYSTROPHY 5. Identifiers: Orphanet 261, MedGen C2751805, MONDO:0013072, OMIM 612999.

Allele frequency attached by ClinVar (database versions not stated): gnomAD exomes 0.00002 and 0.00003; ExAC 0.00004; gnomAD 0.00010 and 0.00012; 1000 Genomes Project 30x 0.00016; TOPMed 0.00017; 1000 Genomes Project 0.00020.
gnomAD v4.1: 44 of 1,613,656 alleles (0.0027%); highest among the groups gnomAD compares: African/African-American, 0.031%; no homozygotes.

Submissions (2):

Labcorp Genetics (formerly Invitae), Labcorp
Classification: Uncertain significance for Emery-Dreifuss muscular dystrophy 5, autosomal dominant. Last evaluated: 2025-07-30. Review status: criteria provided, single submitter. Criteria: Invitae Variant Classification Sherloc (09022015). Collection method: clinical testing. Allele origin: germline.
Comment: This sequence change replaces leucine, which is neutral and non-polar, with proline, which is neutral and non-polar, at codon 4628 of the SYNE2 protein (p.Leu4628Pro). This variant is present in population databases (rs559503999, gnomAD 0.04%), and has an allele count higher than expected for a pathogenic variant. This variant has not been reported in the literature in individuals affected with SYNE2-related conditions. ClinVar contains an entry for this variant (Variation ID: 470932). An algorithm developed to predict the effect of missense changes on protein structure and function (PolyPhen-2) suggests that this variant is likely to be disruptive. In summary, the available evidence is currently insufficient to determine the role of this variant in disease. Therefore, it has been classified as a Variant of Uncertain Significance.

Ambry Genetics
Classification: Uncertain significance. Last evaluated: 2023-11-14. Review status: criteria provided, single submitter. Criteria: Ambry Variant Classification Scheme 2023. Collection method: clinical testing. Allele origin: germline.

NM_182914.3(SYNE2):c.13883T>C (p.Leu4628Pro)

Gene: SYNE2 (spectrin repeat containing nuclear envelope protein 2; plus strand). Cytogenetic location: 14q23.2.
Variant type: single nucleotide variant.
Coding change: c.13883T>C on transcript NM_182914.3 (MANE Select); coding-DNA position 13883, T replaced by C.
Protein change: p.Leu4628Pro; replaces leucine 4628 with proline.
Molecular consequence: missense variant.
Genome position (GRCh38, 1-based): chr14:64,126,773, T>C. VCF-style: chr14-64126773-T-C. GRCh37 (hg19) VCF-style: chr14-64593491-T-C.
Other names: c.13883T>C, p.Leu4628Pro (NM_015180.6); short protein forms L4628P.
Identifiers: ClinVar variation 470932 (VCV000470932.12), dbSNP rs559503999, ClinGen allele CA7222595.